The following is an entry in ClinVar:

NM_001378974.1(FBXW11):c.737G>C (p.Cys246Ser)

Gene: FBXW11 (F-box and WD repeat domain containing 11; minus strand). Cytogenetic location: 5q35.1.
Variant type: single nucleotide variant.
Coding change: c.737G>C on transcript NM_001378974.1 (MANE Select); coding-DNA position 737, G replaced by C.
Protein change: p.Cys246Ser; replaces cysteine 246 with serine.
Molecular consequence: missense variant.
Genome position (GRCh38, 1-based): chr5:171,891,582, C>G on the plus strand (G>C on the coding strand, the complement: FBXW11 is on the minus strand). VCF-style: chr5-171891582-C-G. GRCh37 (hg19) VCF-style: chr5-171318586-C-G.
Other names: c.668G>C, p.Cys223Ser (NM_001378975.1); c.641G>C, p.Cys214Ser (NM_001378976.1); c.578G>C, p.Cys193Ser (NM_001378977.1, NM_001378978.1, NM_001378979.1); c.572G>C, p.Cys191Ser (NM_001378980.1, NM_033645.3); c.674G>C, p.Cys225Ser (NM_012300.3); c.635G>C, p.Cys212Ser (NM_033644.3); short protein forms C191S, C193S, C212S, C214S, C223S, C225S, C246S.
Identifiers: ClinVar variation 4527276 (VCV004527276.1).

ClinVar aggregate classification (germline): Uncertain significance (1 of 4 stars; one submission).

Submission:

GeneDx
Classification: Uncertain significance. Last evaluated: 2025-04-23. Review status: criteria provided, single submitter. Criteria: GeneDx Variant Classification Process June 2021. Collection method: clinical testing. Allele origin: germline. Affected: yes.
Comment: Not observed at significant frequency in large population cohorts (gnomAD); In silico analysis indicates that this missense variant does not alter protein structure/function; Has not been previously published as pathogenic or benign to our knowledge